The following is an entry in ClinVar:

ClinVar aggregate classification (germline): Uncertain significance (1 of 4 stars; one submission).

Conditions:
Familial hemophagocytic lymphohistiocytosis 5. Also called: STXBP2-Related Familial Hemophagocytic Lymphohistiocytosis (STXBP2-fHLH). Identifiers: Orphanet 540, MedGen C2751293, MONDO:0013135, OMIM 613101.

gnomAD v4.1: 61 of 1,613,864 alleles (0.0038%); highest among the groups gnomAD compares: South Asian, 0.037%; no homozygotes.

Submission:

Neuberg Centre For Genomic Medicine, NCGM
Classification: Uncertain significance for Familial hemophagocytic lymphohistiocytosis 5. Last evaluated: 2023-07-22. Review status: criteria provided, single submitter. Criteria: ACMG Guidelines, 2015. Collection method: clinical testing. Allele origin: germline. Inheritance: Autosomal recessive inheritance. Affected: yes.
Comment: The missense variant c.823C>T p.Arg275Trp in STXBP2 gene has not been reported previously as a pathogenic variant nor as a benign variant, to our knowledge. The p.Arg275Trp variant is present with allele frequency of 0.005% in gnomAD exomes database. This variant has not been submitted to the ClinVar database. Multiple lines of computational evidence Polyphen - possibly damaging , SIFT - damaging and MutationTaster - polymorphism predicts conflicting evidence on protein structure and function for this variant. The reference amino acid change at this position on STXBP2 gene is predicted as conserved by GERP++ and PhyloP across 100 vertebrates. The amino acid Arg at position 275 is changed to a Trp changing protein sequence and it might alter its composition and physico-chemical properties. For these reasons, this variant has been classified as Uncertain Significance VUS. In the absence of another reportable variant in STXBP2 gene, the molecular diagnosis is not confirmed.

NM_006949.4(STXBP2):c.823C>T (p.Arg275Trp)

Gene: STXBP2 (syntaxin binding protein 2; plus strand). Cytogenetic location: 19p13.2.
Variant type: single nucleotide variant.
Coding change: c.823C>T on transcript NM_006949.4 (MANE Select); coding-DNA position 823, C replaced by T.
Protein change: p.Arg275Trp; replaces arginine 275 with tryptophan.
Molecular consequence: missense variant. On other transcripts: non-coding transcript variant (1).
Genome position (GRCh38, 1-based): chr19:7,642,457, C>T. VCF-style: chr19-7642457-C-T. GRCh37 (hg19) VCF-style: chr19-7707343-C-T.
Other names: c.814C>T, p.Arg272Trp (NM_001127396.3); c.856C>T, p.Arg286Trp (NM_001272034.2); c.727C>T, p.Arg243Trp (NM_001414484.1); short protein forms R243W, R272W, R275W, R286W.
Identifiers: ClinVar variation 3391328 (VCV003391328.1).